The following is an entry in ClinVar:

ClinVar aggregate classification (germline): Uncertain significance. Review status: criteria provided, multiple submitters, no conflicts (2 of 4 stars). 2 submissions from 2 submitters: Uncertain significance (2). Last evaluated 2024-08-05.

Allele frequency attached by ClinVar (database versions not stated): gnomAD exomes below 0.00001.
gnomAD v4.1: 1 of 1,613,328 alleles (0.000062%); highest among the groups gnomAD compares: Non-Finnish European, 0.000085%; no homozygotes.

Submissions (2):

GeneDx
Classification: Uncertain significance. Last evaluated: 2024-08-05. Review status: criteria provided, single submitter. Criteria: GeneDx Variant Classification Process June 2021. Collection method: clinical testing. Allele origin: germline. Affected: yes.
Comment: Not observed at significant frequency in large population cohorts (gnomAD); In silico analysis supports that this missense variant does not alter protein structure/function; Has not been previously published as pathogenic or benign to our knowledge

Labcorp Genetics (formerly Invitae), Labcorp
Classification: Uncertain significance. Last evaluated: 2020-09-25. Review status: criteria provided, single submitter. Criteria: Invitae Variant Classification Sherloc (09022015). Collection method: clinical testing. Allele origin: germline.
Comment: In summary, the available evidence is currently insufficient to determine the role of this variant in disease. Therefore, it has been classified as a Variant of Uncertain Significance. Advanced modeling of protein sequence and biophysical properties (such as structural, functional, and spatial information, amino acid conservation, physicochemical variation, residue mobility, and thermodynamic stability) performed at Invitae indicates that this missense variant is not expected to disrupt ALPL protein function. This variant has not been reported in the literature in individuals with ALPL-related conditions. This variant is not present in population databases (ExAC no frequency). This sequence change replaces threonine with isoleucine at codon 12 of the ALPL protein (p.Thr12Ile). The threonine residue is weakly conserved and there is a moderate physicochemical difference between threonine and isoleucine.

NM_000478.6(ALPL):c.35C>T (p.Thr12Ile)

Gene: ALPL (alkaline phosphatase, biomineralization associated; plus strand). Cytogenetic location: 1p36.12.
Variant type: single nucleotide variant.
Coding change: c.35C>T on transcript NM_000478.6 (MANE Select); coding-DNA position 35, C replaced by T.
Protein change: p.Thr12Ile; replaces threonine 12 with isoleucine.
Molecular consequence: missense variant. On other transcripts: intron variant (2).
Genome position (GRCh38, 1-based): chr1:21,554,116, C>T. VCF-style: chr1-21554116-C-T. GRCh37 (hg19) VCF-style: chr1-21880609-C-T.
Other names: c.35C>T, p.Thr12Ile (NM_001369803.2, NM_001369804.2, NM_001369805.2); c.-104-6510C>T (NM_001127501.4); c.-54-6510C>T (NM_001177520.3); c.35C>T (NM_000478.4); short protein forms T12I.
Identifiers: ClinVar variation 1044512 (VCV001044512.9), dbSNP rs1570252164, ClinGen allele CA338876398.